The following is an entry in ClinVar:

NM_001378457.1(DMXL2):c.2806G>A (p.Val936Ile)

Gene: DMXL2 (Dmx like 2; minus strand). Cytogenetic location: 15q21.2.
Variant type: single nucleotide variant.
Coding change: c.2806G>A on transcript NM_001378457.1 (MANE Select); coding-DNA position 2806, G replaced by A.
Protein change: p.Val936Ile; replaces valine 936 with isoleucine.
Molecular consequence: missense variant. On other transcripts: non-coding transcript variant (2), intron variant (2).
Genome position (GRCh38, 1-based): chr15:51,502,992, C>T on the plus strand (G>A on the coding strand, the complement: DMXL2 is on the minus strand). VCF-style: chr15-51502992-C-T. GRCh37 (hg19) VCF-style: chr15-51795189-C-T.
Other names: c.2806G>A, p.Val936Ile (NM_001174116.3, NM_001378458.1, NM_001378459.1 and 4 more transcripts); c.2566G>A, p.Val856Ile (NM_001378464.1); c.2806G>A (NM_001174116.1); c.2764+4142G>A (NM_001378460.1, NM_001174117.3); short protein forms V856I, V936I.
Identifiers: ClinVar variation 1494400 (VCV001494400.7), dbSNP rs139439554, ClinGen allele CA7562250.
Genomic context (GRCh38, chr15:51,502,992, plus strand): 5'-GCATGGGGCTCACACTAGGAGAGGTTTCTGGAGAAGAATCTACGTTCTTCTGTCCAGGGA[C>T]TGAAAGTAGACTCTCAGAGGAAGCCCCTTCTGAAGCTTTAGCTTTAAAAATAAATTATAA-3'
Protein context (NP_001365386.1, residues 926-946): EGASSESLLS[Val936Ile]PGQKNVDSSP

ClinVar aggregate classification (germline): Uncertain significance. Review status: criteria provided, multiple submitters, no conflicts (2 of 4 stars). 4 submissions from 4 submitters: Uncertain significance (4). Last evaluated 2025-11-12.

Conditions:
DMXL2-related disorder. Also called: DMXL2-related condition.
Inborn genetic diseases. Identifiers: MedGen C0950123, MeSH D030342.

Allele frequency attached by ClinVar (database versions not stated): gnomAD exomes 0.00003 and 0.00009; ExAC 0.00012; 1000 Genomes Project 30x 0.00016; 1000 Genomes Project 0.00020; gnomAD 0.00027 and 0.00030; TOPMed 0.00031; ESP Exome Variant Server 0.00039.
gnomAD v4.1: 84 of 1,613,870 alleles (0.0052%); highest among the groups gnomAD compares: African/African-American, 0.097%; no homozygotes.

Submissions (4):

PreventionGenetics, part of Exact Sciences
Classification: Uncertain significance for DMXL2-related condition. Last evaluated: 2025-11-12. Review status: criteria provided, single submitter. Criteria: ACMG Guidelines, 2015. Collection method: clinical testing. Allele origin: germline.
Comment: The DMXL2 c.2806G>A variant is predicted to result in the amino acid substitution p.Val936Ile. To our knowledge, this variant has not been reported in the literature. This variant is reported in 0.11% of alleles in individuals of African descent in gnomAD. Although we suspect that this variant may be benign, at this time, the clinical significance of this variant is uncertain due to the absence of conclusive functional and genetic evidence.

Women's Health and Genetics/Laboratory Corporation of America, LabCorp
Classification: Uncertain significance. Last evaluated: 2024-11-29. Review status: criteria provided, single submitter. Criteria: LabCorp Variant Classification Summary - May 2015. Collection method: clinical testing. Allele origin: germline.
Comment: Variant summary: DMXL2 c.2806G>A (p.Val936Ile) results in a conservative amino acid change in the encoded protein sequence. Four of five in-silico tools predict a benign effect of the variant on protein function. The variant allele was found at a frequency of 8.8e-05 in 251282 control chromosomes. This frequency is not significantly higher than estimated for a pathogenic variant in DMXL2 causing DMXL2-Related Disorders, allowing no conclusion about variant significance. To our knowledge, no occurrence of c.2806G>A in individuals affected with DMXL2-Related Disorders and no experimental evidence demonstrating its impact on protein function have been reported. ClinVar contains an entry for this variant (Variation ID: 1494400). Based on the evidence outlined above, the variant was classified as uncertain significance.

Labcorp Genetics (formerly Invitae), Labcorp
Classification: Uncertain significance. Last evaluated: 2022-10-29. Review status: criteria provided, single submitter. Criteria: Invitae Variant Classification Sherloc (09022015). Collection method: clinical testing. Allele origin: germline.
Comment: This sequence change replaces valine, which is neutral and non-polar, with isoleucine, which is neutral and non-polar, at codon 936 of the DMXL2 protein (p.Val936Ile). This variant is present in population databases (rs139439554, gnomAD 0.1%). This variant has not been reported in the literature in individuals affected with DMXL2-related conditions. ClinVar contains an entry for this variant (Variation ID: 1494400). Algorithms developed to predict the effect of missense changes on protein structure and function (SIFT, PolyPhen-2, Align-GVGD) all suggest that this variant is likely to be tolerated. In summary, the available evidence is currently insufficient to determine the role of this variant in disease. Therefore, it has been classified as a Variant of Uncertain Significance.

Ambry Genetics
Classification: Uncertain significance for Inborn genetic diseases. Last evaluated: 2022-07-19. Review status: criteria provided, single submitter. Criteria: Ambry Variant Classification Scheme 2023. Collection method: clinical testing. Allele origin: germline.